The following is an entry in ClinVar:

ClinVar aggregate classification (germline): Likely pathogenic (1 of 4 stars; one submission).

Conditions:
Tay-Sachs disease (TSD). Also called: HEXA DEFICIENCY; GM2 gangliosidosis, type 1; Hexosaminidase alpha-subunit deficiency (variant B); Sphingolipidosis, Tay-Sachs; HEXA Disorders; Hexosaminidase A Deficiency. Identifiers: Orphanet 845, MedGen C0039373, MONDO:0010100, OMIM 272800.

Submission:

Natera, Inc.
Classification: Likely pathogenic for Tay-Sachs disease. Last evaluated: 2025-03-03. Review status: criteria provided, single submitter. Criteria: Natera Variant Classification Schema (03/2026). Collection method: clinical testing. Allele origin: germline.
Comment: The c.987-1G>C variant in HEXA is a canonical splice acceptor site variant predicted to affect pre-mRNA splicing, which may result in an abnormal transcript and altered protein product. This variant is expected to result in nonsense mediated decay, truncation, or a dysfunctional protein product. This variant is rare in the general population with a frequency below the threshold expected for the associated phenotype(s). Given the available evidence, this variant is classified as Likely Pathogenic.

NM_000520.6(HEXA):c.987-1G>C

Gene: HEXA (hexosaminidase subunit alpha; minus strand). Cytogenetic location: 15q23.
Variant type: single nucleotide variant.
Coding change: c.987-1G>C on transcript NM_000520.6 (MANE Select); the canonical splice acceptor site of the intron before coding-DNA position 987, G replaced by C.
Molecular consequence: splice acceptor variant.
Genome position (GRCh38, 1-based): chr15:72,348,135, C>G on the plus strand (G>C on the coding strand, the complement: HEXA is on the minus strand). VCF-style: chr15-72348135-C-G. GRCh37 (hg19) VCF-style: chr15-72640476-C-G.
Other names: c.1020-1G>C (NM_001318825.2).
Identifiers: ClinVar variation 4069168 (VCV004069168.2).
Genomic context (GRCh38, chr15:72,348,135, plus strand): 5'-TTGAAGTCCTCACCGAAGCCTTTCTTCCTCATAAAGTCCTGGATCTCTGGGTTGGACTTC[C>G]TGAATCCCAAGAGAAAATGAAGATTAATCTTTCAACATCCTGAAAGCCTAATGCCTGGGG-3'